The following is an entry in ClinVar:

NM_006371.5(CRTAP):c.904C>A (p.Gln302Lys)

Gene: CRTAP (cartilage associated protein; plus strand). Cytogenetic location: 3p22.3.
Variant type: single nucleotide variant.
Coding change: c.904C>A on transcript NM_006371.5 (MANE Select); coding-DNA position 904, C replaced by A.
Protein change: p.Gln302Lys; replaces glutamine 302 with lysine.
Molecular consequence: missense variant.
Genome position (GRCh38, 1-based): chr3:33,130,049, C>A. VCF-style: chr3-33130049-C-A. GRCh37 (hg19) VCF-style: chr3-33171541-C-A.
Other names: short protein forms Q302K.
Identifiers: ClinVar variation 944238 (VCV000944238.6), dbSNP rs2030205875, ClinGen allele CA351997086.

ClinVar aggregate classification (germline): Uncertain significance (1 of 4 stars; one submission).

Conditions:
Osteogenesis imperfecta type 7 (OI7). Also called: OSTEOGENESIS IMPERFECTA, TYPE IIB; Osteogenesis imperfecta type 2B; OI type 2B; Osteogenesis imperfecta, perinatal lethal autosomal recessive; OI type IIB; OI type 7. Identifiers: MedGen C1853162, MONDO:0012536, OMIM 610682.

Allele frequency attached by ClinVar (database versions not stated): gnomAD exomes below 0.00001.
gnomAD v4.1: 1 of 1,613,712 alleles (0.000062%); highest among the groups gnomAD compares: Non-Finnish European, 0.000085%; no homozygotes.

Submission:

Labcorp Genetics (formerly Invitae), Labcorp
Classification: Uncertain significance for Osteogenesis imperfecta type 7. Last evaluated: 2020-02-10. Review status: criteria provided, single submitter. Criteria: Invitae Variant Classification Sherloc (09022015). Collection method: clinical testing. Allele origin: germline.
Comment: In summary, the available evidence is currently insufficient to determine the role of this variant in disease. Therefore, it has been classified as a Variant of Uncertain Significance. Algorithms developed to predict the effect of missense changes on protein structure and function are either unavailable or do not agree on the potential impact of this missense change (SIFT: "Tolerated"; PolyPhen-2: "Probably Damaging"; Align-GVGD: "Class C0"). This variant has not been reported in the literature in individuals with CRTAP-related conditions. This variant is not present in population databases (ExAC no frequency). This sequence change replaces glutamine with lysine at codon 302 of the CRTAP protein (p.Gln302Lys). The glutamine residue is highly conserved and there is a small physicochemical difference between glutamine and lysine.